The following is an entry in ClinVar:

NM_000277.3(PAH):c.176A>G (p.Asp59Gly)

Gene: PAH (phenylalanine hydroxylase; minus strand). Cytogenetic location: 12q23.2.
Variant type: single nucleotide variant.
Coding change: c.176A>G on transcript NM_000277.3 (MANE Select); coding-DNA position 176, A replaced by G.
Protein change: p.Asp59Gly; replaces aspartic acid 59 with glycine.
Molecular consequence: missense variant.
Genome position (GRCh38, 1-based): chr12:102,894,911, T>C on the plus strand (A>G on the coding strand, the complement: PAH is on the minus strand). VCF-style: chr12-102894911-T-C. GRCh37 (hg19) VCF-style: chr12-103288689-T-C.
Other names: NM_000277.2(PAH):c.176A>G; c.176A>G, p.Asp59Gly (NM_001354304.2); short protein forms D59G.
Identifiers: ClinVar variation 102616 (VCV000102616.2), dbSNP rs199475672, ClinGen allele CA229468.
Genomic context (GRCh38, chr12:102,894,911, plus strand): 5'-AATTCATACTCATCTTTCTTTAAACGAGAAGGTCTAGATTCAATGTGGGTCAGGTTTACA[T>C]CATTCTCCTAGAAGAGAGAATGGGGAGGGTGAGGAGACAGTCACTGGAACTAACGCAGGC-3'
Protein context (NP_000268.1, residues 49-69): AKVLRLFEEN[Asp59Gly]VNLTHIESRP

ClinVar aggregate classification (germline): Uncertain significance. Review status: reviewed by expert panel (3 of 4 stars). 2 submissions from 2 submitters: Uncertain significance (1). 1 of the submissions does not count toward it. Last evaluated 2018-12-10.

Conditions:
Phenylketonuria (PKU). Also called: Phenylketonuria (PKU); FOLLING DISEASE; OLIGOPHRENIA PHENYLPYRUVICA; Phenylketonurias. Identifiers: Orphanet 716, MedGen C0031485, MONDO:0009861, OMIM 261600. Disease mechanism: loss of function.

Submissions (2):

ClinGen PAH Variant Curation Expert Panel
Classification: Uncertain significance for Phenylketonuria. Last evaluated: 2018-12-10. Review status: reviewed by expert panel. Criteria: ClinGen PAH ACMG Specifications v1. Collection method: curation. Allele origin: germline. Inheritance: Autosomal recessive inheritance.
Comment: The c.176A>G (p.Asp59Gly) variant in PAH has not been reported in the literature to our knowledge. A reference from BioPKU/PAHdb is not located (Carducci C, 1999). It is absent from ExAC, gnomAD, 1000G, and ESP. There are conflicting predictions of pathogenicity: SIFT/Polyphen2: benign; MutationTaster: Damaging; REVEL=0.565. In summary, this variant meets criteria to be classified as uncertain significance for PAH. PAH-specific ACMG/AMP criteria applied: PM2.

DeBelle Laboratory for Biochemical Genetics, MUHC/MCH RESEARCH INSTITUTE
No classification provided. Review status: no classification provided. Collection method: not provided. Allele origin: not provided. Not counted in ClinVar's aggregate classification.